The following is an entry in ClinVar:

NM_000069.3(CACNA1S):c.296T>A (p.Ile99Asn)

Gene: CACNA1S (calcium voltage-gated channel subunit alpha1 S; minus strand). Cytogenetic location: 1q32.1.
Variant type: single nucleotide variant.
Coding change: c.296T>A on transcript NM_000069.3 (MANE Select); coding-DNA position 296, T replaced by A.
Protein change: p.Ile99Asn; replaces isoleucine 99 with asparagine.
Molecular consequence: missense variant.
Genome position (GRCh38, 1-based): chr1:201,093,984, A>T on the plus strand (T>A on the coding strand, the complement: CACNA1S is on the minus strand). VCF-style: chr1-201093984-A-T. GRCh37 (hg19) VCF-style: chr1-201063112-A-T.
Other names: short protein forms I99N.
Identifiers: ClinVar variation 1007390 (VCV001007390.10), dbSNP rs374127575, ClinGen allele CA079458.

ClinVar aggregate classification (germline): Uncertain significance (1 of 4 stars; one submission).

Conditions:
Hypokalemic periodic paralysis, type 1. Also called: HypoPP; Hypokalemic Periodic Paralysis Type 1 (AD). Identifiers: Orphanet 681, MedGen C3714580, MONDO:0042979, OMIM 170400.
Malignant hyperthermia, susceptibility to, 5 (MHS5). Also called: CACNA1S-Related Malignant Hyperthermia Susceptibility. Identifiers: Orphanet 423, MedGen C1866077, MONDO:0011163, OMIM 601887.

Allele frequency attached by ClinVar (database versions not stated): gnomAD exomes below 0.00001; ExAC 0.00001; ESP Exome Variant Server 0.00008.

Submission:

Labcorp Genetics (formerly Invitae), Labcorp
Classification: Uncertain significance for Hypokalemic periodic paralysis, type 1; Malignant hyperthermia, susceptibility to, 5. Last evaluated: 2024-09-11. Review status: criteria provided, single submitter. Criteria: Invitae Variant Classification Sherloc (09022015). Collection method: clinical testing. Allele origin: germline.
Comment: This sequence change replaces isoleucine, which is neutral and non-polar, with asparagine, which is neutral and polar, at codon 99 of the CACNA1S protein (p.Ile99Asn). This variant is present in population databases (rs374127575, gnomAD 0.0009%). This variant has not been reported in the literature in individuals affected with CACNA1S-related conditions. ClinVar contains an entry for this variant (Variation ID: 1007390). Invitae Evidence Modeling of protein sequence and biophysical properties (such as structural, functional, and spatial information, amino acid conservation, physicochemical variation, residue mobility, and thermodynamic stability) indicates that this missense variant is not expected to disrupt CACNA1S protein function with a negative predictive value of 80%. In summary, the available evidence is currently insufficient to determine the role of this variant in disease. Therefore, it has been classified as a Variant of Uncertain Significance.